The following is an entry in ClinVar:

ClinVar aggregate classification (germline): Uncertain significance (1 of 4 stars; one submission).

Conditions:
Hereditary cancer-predisposing syndrome. Also called: Hereditary Cancer Syndrome; Hereditary neoplastic syndrome; Neoplastic Syndromes, Hereditary; Tumor predisposition. Identifiers: Orphanet 140162, MedGen C0027672, MeSH D009386, MONDO:0015356.

Submission:

Ambry Genetics
Classification: Uncertain significance for Hereditary cancer-predisposing syndrome. Last evaluated: 2020-05-22. Review status: criteria provided, single submitter. Criteria: Ambry Variant Classification Scheme 2023. Collection method: clinical testing. Allele origin: germline.
Comment: The p.V1516G variant (also known as c.4547T>G), located in coding exon 31 of the SMARCA4 gene, results from a T to G substitution at nucleotide position 4547. The valine at codon 1516 is replaced by glycine, an amino acid with dissimilar properties. This amino acid position is highly conserved in available vertebrate species. In addition, the in silico prediction for this alteration is inconclusive. Since supporting evidence is limited at this time, the clinical significance of this alteration remains unclear.

NM_003072.5(SMARCA4):c.4451T>G (p.Val1484Gly)

Gene: SMARCA4 (SWI/SNF related BAF chromatin remodeling complex subunit ATPase 4; plus strand). Cytogenetic location: 19p13.2.
Variant type: single nucleotide variant.
Coding change: c.4451T>G on transcript NM_003072.5 (MANE Select); coding-DNA position 4451, T replaced by G.
Protein change: p.Val1484Gly; replaces valine 1484 with glycine.
Molecular consequence: missense variant. On other transcripts: non-coding transcript variant (1).
Genome position (GRCh38, 1-based): chr19:11,058,281, T>G. VCF-style: chr19-11058281-T-G. GRCh37 (hg19) VCF-style: chr19-11168957-T-G.
Other names: c.4451T>G, p.Val1484Gly (NM_001128844.3); c.4361T>G, p.Val1454Gly (NM_001128845.2); c.4358T>G, p.Val1453Gly (NM_001128846.2); c.4352T>G, p.Val1451Gly (NM_001128847.4, NM_001374457.1); c.4349T>G, p.Val1450Gly (NM_001128848.2); c.4547T>G, p.Val1516Gly (NM_001128849.3, NM_001387283.1); c.4448T>G, p.Val1483Gly (NM_001411150.1); short protein forms V1453G, V1483G, V1484G, V1516G, V1451G, V1454G, V1450G.
Identifiers: ClinVar variation 1741393 (VCV001741393.2), dbSNP rs1600629978, ClinGen allele CA404077385.